The following is an entry in ClinVar:

NM_025103.4(IFT74):c.587C>A (p.Ala196Glu)

Gene: IFT74 (intraflagellar transport 74; plus strand). Cytogenetic location: 9p21.2.
Variant type: single nucleotide variant.
Coding change: c.587C>A on transcript NM_025103.4 (MANE Select); coding-DNA position 587, C replaced by A.
Protein change: p.Ala196Glu; replaces alanine 196 with glutamic acid.
Molecular consequence: missense variant.
Genome position (GRCh38, 1-based): chr9:26,990,195, C>A. VCF-style: chr9-26990195-C-A. GRCh37 (hg19) VCF-style: chr9-26990193-C-A.
Other names: c.587C>A, p.Ala196Glu (NM_001099222.3, NM_001099223.3, NM_001099224.3 and 1 more transcripts); short protein forms A196E.
Identifiers: ClinVar variation 2097539 (VCV002097539.2), dbSNP rs995864839, ClinGen allele CA373130298.

ClinVar aggregate classification (germline): Uncertain significance (1 of 4 stars; one submission).

Submission:

Labcorp Genetics (formerly Invitae), Labcorp
Classification: Uncertain significance. Last evaluated: 2022-08-06. Review status: criteria provided, single submitter. Criteria: Invitae Variant Classification Sherloc (09022015). Collection method: clinical testing. Allele origin: germline.
Comment: In summary, the available evidence is currently insufficient to determine the role of this variant in disease. Therefore, it has been classified as a Variant of Uncertain Significance. Algorithms developed to predict the effect of missense changes on protein structure and function are either unavailable or do not agree on the potential impact of this missense change (SIFT: "Deleterious"; PolyPhen-2: "Benign"; Align-GVGD: "Class C0"). This variant has not been reported in the literature in individuals affected with IFT74-related conditions. This variant is not present in population databases (gnomAD no frequency). This sequence change replaces alanine, which is neutral and non-polar, with glutamic acid, which is acidic and polar, at codon 196 of the IFT74 protein (p.Ala196Glu).